The following is an entry in ClinVar:

NM_001365951.3(KIF1B):c.2282C>T (p.Ser761Leu)

Gene: KIF1B (kinesin family member 1B; plus strand). Cytogenetic location: 1p36.22.
Variant type: single nucleotide variant.
Coding change: c.2282C>T on transcript NM_001365951.3 (MANE Select); coding-DNA position 2282, C replaced by T.
Protein change: p.Ser761Leu; replaces serine 761 with leucine.
Molecular consequence: missense variant.
Genome position (GRCh38, 1-based): chr1:10,321,781, C>T. VCF-style: chr1-10321781-C-T. GRCh37 (hg19) VCF-style: chr1-10381839-C-T.
Other names: c.2282C>T, p.Ser761Leu (NM_001365952.1); c.2144C>T, p.Ser715Leu (NM_015074.3); short protein forms S761L, S715L.
Identifiers: ClinVar variation 4092349 (VCV004092349.1).

ClinVar aggregate classification (germline): Uncertain significance (1 of 4 stars; one submission).

gnomAD v4.1: 1 of 1,614,160 alleles (0.000062%); highest among the groups gnomAD compares: Non-Finnish European, 0.000085%; no homozygotes.

Submission:

Ambry Genetics
Classification: Uncertain significance. Last evaluated: 2025-07-20. Review status: criteria provided, single submitter. Criteria: Ambry Variant Classification Scheme 2023. Collection method: clinical testing. Allele origin: germline.
Comment: The p.S715L variant (also known as c.2144C>T), located in coding exon 21 of the KIF1B gene, results from a C to T substitution at nucleotide position 2144. The serine at codon 715 is replaced by leucine, an amino acid with dissimilar properties. This amino acid position is conserved. In addition, this alteration is predicted to be deleterious by in silico analysis. Based on the available evidence, the clinical significance of this variant remains unclear.